The following is an entry in ClinVar:

NM_024408.4(NOTCH2):c.4123G>A (p.Glu1375Lys)

Gene: NOTCH2 (notch receptor 2; minus strand). Cytogenetic location: 1p12.
Variant type: single nucleotide variant.
Coding change: c.4123G>A on transcript NM_024408.4 (MANE Select); coding-DNA position 4123, G replaced by A.
Protein change: p.Glu1375Lys; replaces glutamic acid 1375 with lysine.
Molecular consequence: missense variant.
Genome position (GRCh38, 1-based): chr1:119,925,693, C>T on the plus strand (G>A on the coding strand, the complement: NOTCH2 is on the minus strand). VCF-style: chr1-119925693-C-T. GRCh37 (hg19) VCF-style: chr1-120468316-C-T.
Other names: c.4123G>A (NM_024408.3); short protein forms E1375K.
Identifiers: ClinVar variation 2897741 (VCV002897741.5), dbSNP rs587684919, ClinGen allele CA1039907.

ClinVar aggregate classification (germline): Uncertain significance. Review status: criteria provided, multiple submitters, no conflicts (2 of 4 stars). 3 submissions from 3 submitters: Uncertain significance (3). Last evaluated 2026-07-08.

Conditions:
Inborn genetic diseases. Identifiers: MedGen C0950123, MeSH D030342.
NOTCH2-related disorder. Also called: NOTCH2-related condition.
Hajdu-Cheney syndrome (HJCYS). Also called: Acroosteolysis dominant type; SERPENTINE FIBULA-POLYCYSTIC KIDNEY SYNDROME; ACROOSTEOLYSIS WITH OSTEOPOROSIS AND CHANGES IN SKULL AND MANDIBLE. Identifiers: Orphanet 955, MedGen C0917715, MONDO:0007057, OMIM 102500.

Allele frequency attached by ClinVar (database versions not stated): gnomAD exomes 0.00001; TOPMed 0.00001; gnomAD 0.00002; ExAC 0.00003; 1000 Genomes Project 30x 0.00031; 1000 Genomes Project 0.00040.
gnomAD v4.1: 10 of 1,612,280 alleles (0.00062%); highest among the groups gnomAD compares: Admixed American, 0.0033%; no homozygotes.

Submissions (3):

PreventionGenetics, part of Exact Sciences
Classification: Uncertain significance for NOTCH2-related condition. Last evaluated: 2026-07-08. Review status: criteria provided, single submitter. Criteria: ACMG Guidelines, 2015. Collection method: clinical testing. Allele origin: germline.
Comment: The NOTCH2 c.4123G>A variant is predicted to result in the amino acid substitution p.Glu1375Lys. To our knowledge, this variant has not been reported in the literature. This variant is reported in 0.0065% of alleles in individuals of South Asian descent in gnomAD. At this time, the clinical significance of this variant is uncertain due to the absence of conclusive functional and genetic evidence.

Ambry Genetics
Classification: Uncertain significance for Inborn genetic diseases. Last evaluated: 2024-05-02. Review status: criteria provided, single submitter. Criteria: Ambry Variant Classification Scheme 2023. Collection method: clinical testing. Allele origin: germline.

Labcorp Genetics (formerly Invitae), Labcorp
Classification: Uncertain significance for Hajdu-Cheney syndrome. Last evaluated: 2024-04-07. Review status: criteria provided, single submitter. Criteria: Invitae Variant Classification Sherloc (09022015). Collection method: clinical testing. Allele origin: germline.
Comment: This sequence change replaces glutamic acid, which is acidic and polar, with lysine, which is basic and polar, at codon 1375 of the NOTCH2 protein (p.Glu1375Lys). This variant is present in population databases (rs587684919, gnomAD 0.007%). This variant has not been reported in the literature in individuals affected with NOTCH2-related conditions. Advanced modeling of protein sequence and biophysical properties (such as structural, functional, and spatial information, amino acid conservation, physicochemical variation, residue mobility, and thermodynamic stability) performed at Invitae indicates that this missense variant is not expected to disrupt NOTCH2 protein function with a negative predictive value of 80%. In summary, the available evidence is currently insufficient to determine the role of this variant in disease. Therefore, it has been classified as a Variant of Uncertain Significance.